The following is an entry in ClinVar:

ClinVar aggregate classification (germline): Pathogenic/Likely pathogenic. Review status: criteria provided, multiple submitters, no conflicts (2 of 4 stars). 3 submissions from 3 submitters: Pathogenic (2); Likely pathogenic (1). Last evaluated 2025-09-01.

Conditions:
Nijmegen breakage syndrome-like disorder (NBSLD). Also called: MICROCEPHALY AND SPONTANEOUS CHROMOSOME INSTABILITY WITHOUT IMMUNODEFICIENCY; NBS-LIKE DISORDER; RAD50 DEFICIENCY. Identifiers: Orphanet 240760, MedGen C2751318, MONDO:0013118, OMIM 613078.
Hereditary cancer-predisposing syndrome. Also called: Tumor predisposition; Hereditary Cancer Syndrome; Hereditary neoplastic syndrome; Neoplastic Syndromes, Hereditary. Identifiers: Orphanet 140162, MedGen C0027672, MeSH D009386, MONDO:0015356.

Allele frequency attached by ClinVar (database versions not stated): gnomAD exomes below 0.00001.

Submissions (3):

CeGaT Center for Human Genetics Tuebingen
Classification: Pathogenic. Last evaluated: 2025-09-01. Review status: criteria provided, single submitter. Criteria: CeGaT Center For Human Genetics Tuebingen Variant Classification Criteria Version 2. Collection method: clinical testing. Allele origin: germline. Affected: yes. Observed: 1 variant allele.
Comment: RAD50: PVS1, PM2

Labcorp Genetics (formerly Invitae), Labcorp
Classification: Pathogenic for Hereditary cancer-predisposing syndrome. Last evaluated: 2023-07-10. Review status: criteria provided, single submitter. Criteria: Invitae Variant Classification Sherloc (09022015). Collection method: clinical testing. Allele origin: germline.
Comment: For these reasons, this variant has been classified as Pathogenic. Algorithms developed to predict the effect of sequence changes on RNA splicing suggest that this variant may disrupt the consensus splice site. ClinVar contains an entry for this variant (Variation ID: 575560). This variant has not been reported in the literature in individuals affected with RAD50-related conditions. This variant is not present in population databases (gnomAD no frequency). This sequence change creates a premature translational stop signal (p.Glu962*) in the RAD50 gene. It is expected to result in an absent or disrupted protein product. Loss-of-function variants in RAD50 are known to be pathogenic (PMID: 19409520).

Revvity Omics, Revvity
Classification: Likely pathogenic for Nijmegen breakage syndrome-like disorder. Last evaluated: 2019-04-15. Review status: criteria provided, single submitter. Criteria: ACMG Guidelines, 2015. Collection method: clinical testing. Allele origin: germline.

Literature cited by the submitters: PubMed 19409520 (cited by Labcorp Genetics (formerly Invitae), Labcorp).

NM_005732.4(RAD50):c.2884G>T (p.Glu962Ter)

Gene: RAD50 (RAD50 double strand break repair protein; plus strand). Cytogenetic location: 5q31.1.
Variant type: single nucleotide variant.
Coding change: c.2884G>T on transcript NM_005732.4 (MANE Select); coding-DNA position 2884, G replaced by T.
Protein change: p.Glu962Ter; replaces glutamic acid 962 with a stop codon.
Molecular consequence: nonsense.
Genome position (GRCh38, 1-based): chr5:132,609,171, G>T. VCF-style: chr5-132609171-G-T. GRCh37 (hg19) VCF-style: chr5-131944863-G-T.
Other names: short protein forms E962*.
Identifiers: ClinVar variation 575560 (VCV000575560.17), dbSNP rs1561647410, ClinGen allele CA360959754.
Genomic context (GRCh38, chr5:132,609,171, plus strand): 5'-CTACAGCTGAATGATATTAAAGAGAAGGTTAAAAATATTCATGGCTATATGAAAGACATT[G>T]AGAATTATATTCAAGATGGGAAAGACGACTATAAGAAGGTAATTTAAAACTTAAAATTAT-3'